The following is an entry in ClinVar:

ClinVar aggregate classification (germline): Conflicting classifications of pathogenicity. Review status: criteria provided, conflicting classifications (1 of 4 stars). 3 submissions from 3 submitters: Uncertain significance (2); Likely benign (1). Last evaluated 2023-07-06.

Conditions:
Hereditary cancer-predisposing syndrome. Also called: Hereditary neoplastic syndrome; Tumor predisposition; Neoplastic Syndromes, Hereditary; Hereditary Cancer Syndrome. Identifiers: Orphanet 140162, MedGen C0027672, MeSH D009386, MONDO:0015356.
Hereditary breast ovarian cancer syndrome. Also called: Breast and ovarian cancer; Hereditary breast and/or ovarian cancer syndrome; Hereditary breast and ovarian cancer; Hereditary breast and ovarian cancer syndrome; Hereditary breast and ovarian cancer syndrome (HBOC); BRCA1- and BRCA2-Associated Hereditary Breast and Ovarian Cancer. Identifiers: Orphanet 145, MedGen C0677776, MeSH D061325, MONDO:0003582. Disease mechanism: loss of function.

Submissions (3):

Blueprint Genetics
Classification: Uncertain significance. Last evaluated: 2023-07-06. Review status: criteria provided, single submitter. Criteria: ACMG Guidelines, 2015. Collection method: clinical testing. Allele origin: germline.

University of Washington Department of Laboratory Medicine, University of Washington
Classification: Likely benign for Hereditary cancer-predisposing syndrome. Last evaluated: 2023-03-23. Review status: criteria provided, single submitter. Criteria: Dines et al. (Genet Med. 2020). Collection method: curation. Allele origin: germline.
Comment: Missense variant in a coldspot region where missense variants are very unlikely to be pathogenic (PMID:31911673).

BRCA2 exon 11 coldspot. Reclassification based on statistical prior probability.

Labcorp Genetics (formerly Invitae), Labcorp
Classification: Uncertain significance for Hereditary breast ovarian cancer syndrome. Last evaluated: 2020-08-24. Review status: criteria provided, single submitter. Criteria: Invitae Variant Classification Sherloc (09022015). Collection method: clinical testing. Allele origin: germline.
Comment: This sequence change replaces phenylalanine with leucine at codon 1634 of the BRCA2 protein (p.Phe1634Leu). The phenylalanine residue is weakly conserved and there is a small physicochemical difference between phenylalanine and leucine. This variant is not present in population databases (ExAC no frequency). This variant has not been reported in the literature in individuals with BRCA2-related disease. Algorithms developed to predict the effect of missense changes on protein structure and function output the following: SIFT: "Tolerated"; PolyPhen-2: "Benign"; Align-GVGD: "Class C0". The leucine amino acid residue is found in multiple mammalian species, suggesting that this missense change does not adversely affect protein function. These predictions have not been confirmed by published functional studies and their clinical significance is uncertain. In summary, the available evidence is currently insufficient to determine the role of this variant in disease. Therefore, it has been classified as a Variant of Uncertain Significance.

NM_000059.4(BRCA2):c.4900T>C (p.Phe1634Leu)

Gene: BRCA2 (BRCA2 DNA repair associated; plus strand). Cytogenetic location: 13q13.1.
Variant type: single nucleotide variant.
Coding change: c.4900T>C on transcript NM_000059.4 (MANE Select); coding-DNA position 4900, T replaced by C.
Protein change: p.Phe1634Leu; replaces phenylalanine 1634 with leucine.
Molecular consequence: missense variant.
Genome position (GRCh38, 1-based): chr13:32,339,255, T>C. VCF-style: chr13-32339255-T-C. GRCh37 (hg19) VCF-style: chr13-32913392-T-C.
Other names: short protein forms F1634L.
Identifiers: ClinVar variation 531369 (VCV000531369.11), dbSNP rs1555283982, ClinGen allele CA387783553.
Genomic context (GRCh38, chr13:32,339,255, plus strand): 5'-AAGCTCTTAAGTGATAATTTATGTAGACAAACTGAAAATCTCAAAACATCAAAAAGTATC[T>C]TTTTGAAAGTTAAAGTACATGAAAATGTAGAAAAAGAAACAGCAAAAAGTCCTGCAACTT-3'
Protein context (NP_000050.3, residues 1624-1644): TENLKTSKSI[Phe1634Leu]LKVKVHENVE